The following is an entry in ClinVar:

ClinVar aggregate classification (germline): Uncertain significance. Review status: criteria provided, multiple submitters, no conflicts (2 of 4 stars). 2 submissions from 2 submitters: Uncertain significance (2). Last evaluated 2025-12-01.

Conditions:
Inborn genetic diseases. Identifiers: MedGen C0950123, MeSH D030342.
Autosomal dominant nonsyndromic hearing loss 1. Also called: DEAFNESS, AUTOSOMAL DOMINANT 1, WITH OR WITHOUT THROMBOCYTOPENIA; KONIGSMARK SYNDROME. Identifiers: Orphanet 90635, MedGen C1852282, MONDO:0007424, OMIM 124900.
Progressive microcephaly-seizures-cortical blindness-developmental delay syndrome. Also called: Seizures, cortical blindness, and microcephaly syndrome. Identifiers: Orphanet 477814, MedGen C5567650, MONDO:0014714, OMIM 616632.

Allele frequency attached by ClinVar (database versions not stated): gnomAD 0.00001; TOPMed 0.00001.
gnomAD v4.1: 1 of 1,613,484 alleles (0.000062%); highest among the groups gnomAD compares: Non-Finnish European, 0.000085%; no homozygotes.

Submissions (2):

Labcorp Genetics (formerly Invitae), Labcorp
Classification: Uncertain significance for Progressive microcephaly-seizures-cortical blindness-developmental delay syndrome; Autosomal dominant nonsyndromic hearing loss 1. Last evaluated: 2025-12-01. Review status: criteria provided, single submitter. Criteria: Invitae Variant Classification Sherloc (09022015). Collection method: clinical testing. Allele origin: germline.
Comment: This sequence change replaces glycine, which is neutral and non-polar, with serine, which is neutral and polar, at codon 746 of the DIAPH1 protein (p.Gly746Ser). This variant is not present in population databases (gnomAD no frequency). This variant has not been reported in the literature in individuals affected with DIAPH1-related conditions. ClinVar contains an entry for this variant (Variation ID: 2608915). An algorithm developed to predict the effect of missense changes on protein structure and function outputs the following: PolyPhen-2: "Not Available". The serine amino acid residue is found in multiple mammalian species, which suggests that this missense change does not adversely affect protein function. In summary, the available evidence is currently insufficient to determine the role of this variant in disease. Therefore, it has been classified as a Variant of Uncertain Significance.

Ambry Genetics
Classification: Uncertain significance for Inborn genetic diseases. Last evaluated: 2023-06-29. Review status: criteria provided, single submitter. Criteria: Ambry Variant Classification Scheme 2023. Collection method: clinical testing. Allele origin: germline.

NM_005219.5(DIAPH1):c.2236G>A (p.Gly746Ser)

Gene: DIAPH1 (diaphanous related formin 1; minus strand). Cytogenetic location: 5q31.3.
Variant type: single nucleotide variant.
Coding change: c.2236G>A on transcript NM_005219.5 (MANE Select); coding-DNA position 2236, G replaced by A.
Protein change: p.Gly746Ser; replaces glycine 746 with serine.
Molecular consequence: missense variant.
Genome position (GRCh38, 1-based): chr5:141,573,614, C>T on the plus strand (G>A on the coding strand, the complement: DIAPH1 is on the minus strand). VCF-style: chr5-141573614-C-T. GRCh37 (hg19) VCF-style: chr5-140953181-C-T.
Other names: c.2209G>A, p.Gly737Ser (NM_001079812.3); c.2236G>A, p.Gly746Ser (NM_001314007.2); short protein forms G737S, G746S.
Identifiers: ClinVar variation 2608915 (VCV002608915.3), dbSNP rs1258812442, ClinGen allele CA361517045.